The following is an entry in ClinVar:

NM_006509.4(RELB):c.755-3C>T

Gene: RELB (RELB proto-oncogene, NF-kB subunit; plus strand). Cytogenetic location: 19q13.32.
Variant type: single nucleotide variant.
Coding change: c.755-3C>T on transcript NM_006509.4 (MANE Select); 3 bases into the intron before coding-DNA position 755, C replaced by T.
Molecular consequence: intron variant.
Genome position (GRCh38, 1-based): chr19:45,025,603, C>T. VCF-style: chr19-45025603-C-T. GRCh37 (hg19) VCF-style: chr19-45528861-C-T.
Other names: c.746-3C>T (NM_001411087.1).
Identifiers: ClinVar variation 3004949 (VCV003004949.3), dbSNP rs1361510706, ClinGen allele CA633317746.

ClinVar aggregate classification (germline): Uncertain significance (1 of 4 stars; one submission).

Allele frequency attached by ClinVar (database versions not stated): gnomAD 0.00001; gnomAD exomes 0.00001; TOPMed 0.00001.
gnomAD v4.1: 11 of 1,613,820 alleles (0.00068%); highest among the groups gnomAD compares: South Asian, 0.0011%; no homozygotes.

Submission:

Labcorp Genetics (formerly Invitae), Labcorp
Classification: Uncertain significance. Last evaluated: 2023-03-02. Review status: criteria provided, single submitter. Criteria: Invitae Variant Classification Sherloc (09022015). Collection method: clinical testing. Allele origin: germline.
Comment: This sequence change falls in intron 6 of the RELB gene. It does not directly change the encoded amino acid sequence of the RELB protein. It affects a nucleotide within the consensus splice site. This variant is present in population databases (no rsID available, gnomAD 0.003%). This variant has not been reported in the literature in individuals affected with RELB-related conditions. Variants that disrupt the consensus splice site are a relatively common cause of aberrant splicing (PMID: 17576681, 9536098). Algorithms developed to predict the effect of sequence changes on RNA splicing suggest that this variant is not likely to affect RNA splicing. In summary, the available evidence is currently insufficient to determine the role of this variant in disease. Therefore, it has been classified as a Variant of Uncertain Significance.

Literature cited by the submitters: PubMed 17576681; PubMed 9536098.